The following is an entry in ClinVar:

NM_001204.7(BMPR2):c.967+1G>T

Gene: BMPR2 (bone morphogenetic protein receptor type 2; plus strand). Cytogenetic location: 2q33.2.
Variant type: single nucleotide variant.
Coding change: c.967+1G>T on transcript NM_001204.7 (MANE Select); the canonical splice donor site of the intron after coding-DNA position 967, G replaced by T.
Molecular consequence: splice donor variant.
Genome position (GRCh38, 1-based): chr2:202,520,202, G>T. VCF-style: chr2-202520202-G-T. GRCh37 (hg19) VCF-style: chr2-203384925-G-T.
Identifiers: ClinVar variation 3384052 (VCV003384052.1).

ClinVar aggregate classification (germline): Pathogenic (1 of 4 stars; one submission).

Conditions:
Pulmonary hypertension. Identifiers: MedGen C0020542, MONDO:0005149.

Submission:

Dubai Health Genomic Medicine Center, Dubai Health
Classification: Pathogenic for Pulmonary hypertension. Last evaluated: 2024-10-04. Review status: criteria provided, single submitter. Criteria: ACMG Guidelines, 2015. Collection method: research. Allele origin: germline. Affected: yes.
Comment: PVS1,PM2,PP4